The following is an entry in ClinVar:

ClinVar aggregate classification (germline): Uncertain significance (1 of 4 stars; one submission).

Conditions:
Fabry disease. Also called: ALPHA-GALACTOSIDASE A DEFICIENCY; ANDERSON-FABRY DISEASE; CERAMIDE TRIHEXOSIDASE DEFICIENCY; GLA DEFICIENCY; HEREDITARY DYSTOPIC LIPIDOSIS; Fabry's disease. Identifiers: Orphanet 324, MedGen C0002986, MONDO:0010526, OMIM 301500, HP:0001071. Disease mechanism: Fabry disease is due to inactivating mutations in the X-linked GLA gene resulting in deficiency of the enzyme Alpha Galactosidase-A., loss of function.

Submission:

Labcorp Genetics (formerly Invitae), Labcorp
Classification: Uncertain significance for Fabry disease. Last evaluated: 2022-07-19. Review status: criteria provided, single submitter. Criteria: Invitae Variant Classification Sherloc (09022015). Collection method: clinical testing. Allele origin: germline.
Comment: In summary, the available evidence is currently insufficient to determine the role of this variant in disease. Therefore, it has been classified as a Variant of Uncertain Significance. Algorithms developed to predict the effect of missense changes on protein structure and function (SIFT, PolyPhen-2, Align-GVGD) all suggest that this variant is likely to be disruptive. ClinVar contains an entry for this variant (Variation ID: 1000882). This variant has not been reported in the literature in individuals affected with GLA-related conditions. This variant is not present in population databases (gnomAD no frequency). This sequence change replaces lysine, which is basic and polar, with threonine, which is neutral and polar, at codon 127 of the GLA protein (p.Lys127Thr).

NM_000169.3(GLA):c.380A>C (p.Lys127Thr)

Genes: GLA (galactosidase alpha; minus strand), RPL36A-HNRNPH2 (RPL36A-HNRNPH2 readthrough; plus strand). Cytogenetic location: Xq22.1.
Variant type: single nucleotide variant.
Coding change: c.380A>C on transcript NM_000169.3 (MANE Select); coding-DNA position 380, A replaced by C.
Protein change: p.Lys127Thr; replaces lysine 127 with threonine.
Molecular consequence: missense variant. On other transcripts: non-coding transcript variant (3), intron variant (2).
Genome position (GRCh38, 1-based): chrX:101,401,799, T>G on the plus strand (A>C on the coding strand, the complement: GLA is on the minus strand). VCF-style: chrX-101401799-T-G. GRCh37 (hg19) VCF-style: chrX-100656787-T-G.
Other names: c.503A>C, p.Lys168Thr (NM_001406747.1, NM_001406749.1); c.380A>C, p.Lys127Thr (NM_001406748.1); c.300+6342T>G (NM_001199973.2); c.177+9977T>G (NM_001199974.2); short protein forms K127T, K168T.
Identifiers: ClinVar variation 1000882 (VCV001000882.9), dbSNP rs1928328478, ClinGen allele CA413930830.